The following is an entry in ClinVar:

ClinVar aggregate classification (germline): Uncertain significance (1 of 4 stars; one submission).

Conditions:
Mosaic variegated aneuploidy syndrome 1 (MVA1). Also called: Warburton-Anyane-Yeboa syndrome. Identifiers: Orphanet 1052, MedGen C1850343, MONDO:0009759, OMIM 257300.

gnomAD v4.1: 2 of 1,614,098 alleles (0.00012%); highest among the groups gnomAD compares: Non-Finnish European, 0.000085%; no homozygotes.

Submission:

Labcorp Genetics (formerly Invitae), Labcorp
Classification: Uncertain significance for Mosaic variegated aneuploidy syndrome 1. Last evaluated: 2025-01-27. Review status: criteria provided, single submitter. Criteria: Invitae Variant Classification Sherloc (09022015). Collection method: clinical testing. Allele origin: germline.
Comment: This sequence change replaces alanine, which is neutral and non-polar, with proline, which is neutral and non-polar, at codon 183 of the BUB1B protein (p.Ala183Pro). This variant is present in population databases (no rsID available, gnomAD 0.0009%). This variant has not been reported in the literature in individuals affected with BUB1B-related conditions. ClinVar contains an entry for this variant (Variation ID: 1346988). An algorithm developed to predict the effect of missense changes on protein structure and function (PolyPhen-2) suggests that this variant is likely to be disruptive. In summary, the available evidence is currently insufficient to determine the role of this variant in disease. Therefore, it has been classified as a Variant of Uncertain Significance.

NM_001211.6(BUB1B):c.547G>C (p.Ala183Pro)

Gene: BUB1B (BUB1 mitotic checkpoint serine/threonine kinase B; plus strand). Cytogenetic location: 15q15.1.
Variant type: single nucleotide variant.
Coding change: c.547G>C on transcript NM_001211.6 (MANE Select); coding-DNA position 547, G replaced by C.
Protein change: p.Ala183Pro; replaces alanine 183 with proline.
Molecular consequence: missense variant.
Genome position (GRCh38, 1-based): chr15:40,176,639, G>C. VCF-style: chr15-40176639-G-C. GRCh37 (hg19) VCF-style: chr15-40468840-G-C.
Other names: short protein forms A183P.
Identifiers: ClinVar variation 1346988 (VCV001346988.6), dbSNP rs1442788795, ClinGen allele CA391681446.